The following is an entry in ClinVar:

NM_000548.5(TSC2):c.5308C>G (p.Pro1770Ala)

Gene: TSC2 (TSC complex subunit 2; plus strand). Cytogenetic location: 16p13.3.
Variant type: single nucleotide variant.
Coding change: c.5308C>G on transcript NM_000548.5 (MANE Select); coding-DNA position 5308, C replaced by G.
Protein change: p.Pro1770Ala; replaces proline 1770 with alanine.
Molecular consequence: missense variant. On other transcripts: non-coding transcript variant (5).
Genome position (GRCh38, 1-based): chr16:2,088,494, C>G. VCF-style: chr16-2088494-C-G. GRCh37 (hg19) VCF-style: chr16-2138495-C-G.
Other names: c.3835C>G, p.Pro1279Ala (NM_001406690.1); c.3832C>G, p.Pro1278Ala (NM_001406691.1); c.3766C>G, p.Pro1256Ala (NM_001406692.1, NM_001406693.1, NM_001406694.1); c.3763C>G, p.Pro1255Ala (NM_001406695.1, NM_001406696.1, NM_001406697.1); c.3505C>G, p.Pro1169Ala (NM_001406698.1); c.5179C>G, p.Pro1727Ala (NM_021055.3); c.5107C>G, p.Pro1703Ala (NM_001077183.3); c.5239C>G, p.Pro1747Ala (NM_001114382.3); and 27 more; short protein forms P1698A, P1699A, P1700A, P1703A, P1704A, P1710A, P1714A, P1723A.
Identifiers: ClinVar variation 3367998 (VCV003367998.2).

ClinVar aggregate classification (germline): Uncertain significance. Review status: criteria provided, multiple submitters, no conflicts (2 of 4 stars). 2 submissions from 2 submitters: Uncertain significance (2). Last evaluated 2026-05-28.

Conditions:
Hereditary cancer-predisposing syndrome. Also called: Neoplastic Syndromes, Hereditary; Tumor predisposition; Hereditary Cancer Syndrome; Hereditary neoplastic syndrome. Identifiers: Orphanet 140162, MedGen C0027672, MeSH D009386, MONDO:0015356.

Submissions (2):

Ambry Genetics
Classification: Uncertain significance for Hereditary cancer-predisposing syndrome. Last evaluated: 2026-05-28. Review status: criteria provided, single submitter. Criteria: Ambry Variant Classification Scheme 2023. Collection method: clinical testing. Allele origin: germline.
Comment: The p.P1770A variant (also known as c.5308C>G), located in coding exon 41 of the TSC2 gene, results from a C to G substitution at nucleotide position 5308. The proline at codon 1770 is replaced by alanine, an amino acid with highly similar properties. This amino acid position is conserved. In addition, the in silico prediction for this alteration is inconclusive. Based on the available evidence, the clinical significance of this variant remains unclear.

GeneDx
Classification: Uncertain significance. Last evaluated: 2024-01-18. Review status: criteria provided, single submitter. Criteria: GeneDx Variant Classification Process June 2021. Collection method: clinical testing. Allele origin: germline. Affected: yes.
Comment: Not observed at significant frequency in large population cohorts (gnomAD); In silico analysis supports that this missense variant does not alter protein structure/function; Has not been previously published as pathogenic or benign to our knowledge